The following is an entry in ClinVar:

NM_002187.3(IL12B):c.922G>A (p.Val308Met)

Gene: IL12B (interleukin 12B; minus strand). Cytogenetic location: 5q33.3.
Variant type: single nucleotide variant.
Coding change: c.922G>A on transcript NM_002187.3 (MANE Select); coding-DNA position 922, G replaced by A.
Protein change: p.Val308Met; replaces valine 308 with methionine.
Molecular consequence: missense variant.
Genome position (GRCh38, 1-based): chr5:159,316,750, C>T on the plus strand (G>A on the coding strand, the complement: IL12B is on the minus strand). VCF-style: chr5-159316750-C-T. GRCh37 (hg19) VCF-style: chr5-158743758-C-T.
Other names: short protein forms V308M.
Identifiers: ClinVar variation 834562 (VCV000834562.9), dbSNP rs373042362, ClinGen allele CA362029394.
Genomic context (GRCh38, chr5:159,316,750, plus strand): 5'-TGCAGGGCACAGATGCCCATTCGCTCCAAGATGAGCTATAGTAGCGGTCCTGGGCCCGCA[C>T]GCTAATGCTGGCATTTTTGCGGCAGATGACCGTGGCTGAGGTCTTGTCCGTGAAGACTCT-3'
Protein context (NP_002178.2, residues 298-318): VICRKNASIS[Val308Met]RAQDRYYSSS

ClinVar aggregate classification (germline): Uncertain significance (1 of 4 stars; one submission).

Conditions:
Mendelian susceptibility to mycobacterial diseases due to complete IL12B deficiency. Also called: Immunodeficiency 29; IL12B DEFICIENCY. Identifiers: Orphanet 319558, MedGen C4013948, MONDO:0013954, OMIM 614890.

Allele frequency attached by ClinVar (database versions not stated): TOPMed 0.00002.
gnomAD v4.1: 11 of 1,613,942 alleles (0.00068%); highest among the groups gnomAD compares: African/African-American, 0.0027%; no homozygotes.

Submission:

Labcorp Genetics (formerly Invitae), Labcorp
Classification: Uncertain significance for Mendelian susceptibility to mycobacterial diseases due to complete IL12B deficiency. Last evaluated: 2019-03-22. Review status: criteria provided, single submitter. Criteria: Invitae Variant Classification Sherloc (09022015). Collection method: clinical testing. Allele origin: germline.
Comment: In summary, the available evidence is currently insufficient to determine the role of this variant in disease. Therefore, it has been classified as a Variant of Uncertain Significance. Algorithms developed to predict the effect of missense changes on protein structure and function are either unavailable or do not agree on the potential impact of this missense change (SIFT: "Deleterious"; PolyPhen-2: "Probably Damaging"; Align-GVGD: "Class C0"). This variant has not been reported in the literature in individuals with IL12B-related conditions. This variant is not present in population databases (ExAC no frequency). This sequence change replaces valine with methionine at codon 308 of the IL12B protein (p.Val308Met). The valine residue is highly conserved and there is a small physicochemical difference between valine and methionine.